The following is an entry in ClinVar:

ClinVar aggregate classification (germline): Uncertain significance. Review status: criteria provided, multiple submitters, no conflicts (2 of 4 stars). 2 submissions from 2 submitters: Uncertain significance (2). Last evaluated 2025-11-07.

Conditions:
JPH2-related disorder. Also called: JPH2-related condition.
Cardiovascular phenotype. Identifiers: MedGen CN230736.

Allele frequency attached by ClinVar (database versions not stated): gnomAD exomes below 0.00001; gnomAD 0.00001; TOPMed 0.00001; ExAC 0.00001.

Submissions (2):

Ambry Genetics
Classification: Uncertain significance for Cardiovascular phenotype. Last evaluated: 2025-11-07. Review status: criteria provided, single submitter. Criteria: Ambry Variant Classification Scheme 2023. Collection method: clinical testing. Allele origin: germline.
Comment: The p.G36D variant (also known as c.107G>A), located in coding exon 1 of the JPH2 gene, results from a G to A substitution at nucleotide position 107. The glycine at codon 36 is replaced by aspartic acid, an amino acid with similar properties. This amino acid position is conserved. In addition, this alteration is predicted to be deleterious by in silico analysis. Since supporting evidence is limited at this time, the clinical significance of this alteration remains unclear.

PreventionGenetics, part of Exact Sciences
Classification: Uncertain significance for JPH2-related condition. Last evaluated: 2023-07-18. Review status: criteria provided, single submitter. Criteria: ACMG Guidelines, 2015. Collection method: clinical testing. Allele origin: germline.
Comment: The JPH2 c.107G>A variant is predicted to result in the amino acid substitution p.Gly36Asp. To our knowledge, this variant has not been reported in the literature. This variant is reported in 0.0029% of alleles in individuals of Latino descent in gnomAD. At this time, the clinical significance of this variant is uncertain due to the absence of conclusive functional and genetic evidence.

NM_020433.5(JPH2):c.107G>A (p.Gly36Asp)

Gene: JPH2 (junctophilin 2; minus strand). Cytogenetic location: 20q13.12.
Variant type: single nucleotide variant.
Coding change: c.107G>A on transcript NM_020433.5 (MANE Select); coding-DNA position 107, G replaced by A.
Protein change: p.Gly36Asp; replaces glycine 36 with aspartic acid.
Molecular consequence: missense variant.
Genome position (GRCh38, 1-based): chr20:44,186,599, C>T on the plus strand (G>A on the coding strand, the complement: JPH2 is on the minus strand). VCF-style: chr20-44186599-C-T. GRCh37 (hg19) VCF-style: chr20-42815239-C-T.
Other names: c.107G>A, p.Gly36Asp (NM_175913.4); short protein forms G36D.
Identifiers: ClinVar variation 1786053 (VCV001786053.4), dbSNP rs761193216, ClinGen allele CA9868925.
Genomic context (GRCh38, chr20:44,186,599, plus strand): 5'-CTGGGCCAGGTGTAGACACCTGCCACCTCAAAGCCAAAGTTCCAGGAGCCAGAGTATTCG[C>T]CCTGGCCCTTGGGGCCTGTGCACAGTCCATGCCCATGGGCCTTTCCCCCCTCCCAGCCCC-3'
Protein context (NP_065166.2, residues 26-46): HGLCTGPKGQ[Gly36Asp]EYSGSWNFGF